The following is an entry in ClinVar:

ClinVar aggregate classification (germline): Likely benign. Review status: criteria provided, multiple submitters, no conflicts (2 of 4 stars). 4 submissions from 4 submitters: Likely benign (3). 1 of the submissions does not count toward it. Last evaluated 2026-01-19.

Conditions:
FAT4-related disorder. Also called: FAT4-related condition.

Allele frequency attached by ClinVar (database versions not stated): ExAC 0.00007; gnomAD exomes 0.00008 and 0.00029; TOPMed 0.00014; ESP Exome Variant Server 0.00031; gnomAD 0.00020 and 0.00021.
gnomAD v4.1: 447 of 1,614,072 alleles (0.028%); highest among the groups gnomAD compares: Non-Finnish European, 0.037%; no homozygotes.

Submissions (4):

Labcorp Genetics (formerly Invitae), Labcorp
Classification: Likely benign. Last evaluated: 2026-01-19. Review status: criteria provided, single submitter. Criteria: Invitae Variant Classification Sherloc (09022015). Collection method: clinical testing. Allele origin: germline.

CeGaT Center for Human Genetics Tuebingen
Classification: Likely benign. Last evaluated: 2025-01-01. Review status: criteria provided, single submitter. Criteria: CeGaT Center For Human Genetics Tuebingen Variant Classification Criteria Version 2. Collection method: clinical testing. Allele origin: germline. Affected: yes. Observed: 5 variant alleles.
Comment: FAT4: BP4, BP7

Blueprint Genetics
Classification: Likely benign. Last evaluated: 2024-10-07. Review status: criteria provided, single submitter. Criteria: ACMG Guidelines, 2015. Collection method: clinical testing. Allele origin: germline.

PreventionGenetics, part of Exact Sciences
Classification: Likely benign for FAT4-related condition. Last evaluated: 2024-08-16. Review status: no assertion criteria provided. Collection method: clinical testing. Allele origin: germline. Not counted in ClinVar's aggregate classification.
Comment: This variant is classified as likely benign based on ACMG/AMP sequence variant interpretation guidelines (Richards et al. 2015 PMID: 25741868, with internal and published modifications).

NM_001291303.3(FAT4):c.14877A>G (p.Ala4959=)

Gene: FAT4 (FAT atypical cadherin 4; plus strand). Cytogenetic location: 4q28.1.
Variant type: single nucleotide variant.
Coding change: c.14877A>G on transcript NM_001291303.3 (MANE Select); coding-DNA position 14877, A replaced by G.
Protein change: p.Ala4959=; no amino-acid change (alanine 4959 retained).
Molecular consequence: synonymous variant.
Genome position (GRCh38, 1-based): chr4:125,491,693, A>G. VCF-style: chr4-125491693-A-G. GRCh37 (hg19) VCF-style: chr4-126412848-A-G.
Other names: c.14874A>G, p.Ala4958= (NM_001291285.3); c.14871A>G, p.Ala4957= (NM_024582.6); c.14877A>G (NM_001291303.1).
Identifiers: ClinVar variation 1335563 (VCV001335563.41), dbSNP rs376402724, ClinGen allele CA3074638.